The following is an entry in ClinVar:

ClinVar aggregate classification (germline): Uncertain significance (1 of 4 stars; one submission).

Conditions:
Ataxia-telangiectasia syndrome (AT). Also called: LOUIS-BAR SYNDROME; Cerebello-oculocutaneous telangiectasia; Immunodeficiency with ataxia telangiectasia; Ataxia telangiectasia (A-T); Ataxia-telangiectasia, complementation group D; AT, COMPLEMENTATION GROUP C. Identifiers: Orphanet 100, MedGen C0004135, MONDO:0008840, OMIM 208900.

Submission:

Labcorp Genetics (formerly Invitae), Labcorp
Classification: Uncertain significance for Ataxia-telangiectasia syndrome. Last evaluated: 2023-01-06. Review status: criteria provided, single submitter. Criteria: Invitae Variant Classification Sherloc (09022015). Collection method: clinical testing. Allele origin: germline.
Comment: In summary, the available evidence is currently insufficient to determine the role of this variant in disease. Therefore, it has been classified as a Variant of Uncertain Significance. ClinVar contains an entry for this variant (Variation ID: 1493007). This variant has not been reported in the literature in individuals affected with ATM-related conditions. This variant is not present in population databases (gnomAD no frequency). This sequence change replaces tryptophan, which is neutral and slightly polar, with cysteine, which is neutral and slightly polar, at codon 2205 of the ATM protein (p.Trp2205Cys). Algorithms developed to predict the effect of missense changes on protein structure and function (SIFT, PolyPhen-2, Align-GVGD) all suggest that this variant is likely to be disruptive.

NM_000051.4(ATM):c.6615G>C (p.Trp2205Cys)

Genes: ATM (ATM serine/threonine kinase; plus strand), C11orf65 (chromosome 11 open reading frame 65; minus strand). Cytogenetic location: 11q22.3.
Variant type: single nucleotide variant.
Coding change: c.6615G>C on transcript NM_000051.4 (MANE Select); coding-DNA position 6615, G replaced by C.
Protein change: p.Trp2205Cys; replaces tryptophan 2205 with cysteine.
Molecular consequence: missense variant. On other transcripts: intron variant (2).
Genome position (GRCh38, 1-based): chr11:108,325,352, G>C. VCF-style: chr11-108325352-G-C. GRCh37 (hg19) VCF-style: chr11-108196079-G-C.
Other names: c.6615G>C, p.Trp2205Cys (NM_001351834.2); c.641-16281C>G (NM_001330368.2); c.*38+9868C>G (NM_001351110.2); short protein forms W2205C.
Identifiers: ClinVar variation 1493007 (VCV001493007.6), dbSNP rs1555119041, ClinGen allele CA382554734.